The following is an entry in ClinVar:

ClinVar aggregate classification (germline): Conflicting classifications of pathogenicity. Review status: criteria provided, conflicting classifications (1 of 4 stars). 3 submissions from 3 submitters: Uncertain significance (1); Likely benign (1). 1 of the submissions does not count toward it. Last evaluated 2025-02-25.

Conditions:
CFTR-related disorder (CFTR-RD). Also called: CFTR-related disorders; CFTR-related condition. Identifiers: MedGen C5924204, MONDO:7770004.

Submissions (3):

Quest Diagnostics Nichols Institute San Juan Capistrano
Classification: Uncertain significance. Last evaluated: 2025-02-25. Review status: criteria provided, single submitter. Criteria: Quest Diagnostics criteria. Collection method: clinical testing. Allele origin: unknown.

ARUP Laboratories, Molecular Genetics and Genomics, ARUP Laboratories
Classification: Likely benign. Last evaluated: 2017-01-14. Review status: criteria provided, single submitter. Criteria: ARUP Molecular Germline Variant Investigation Process. Collection method: clinical testing. Allele origin: germline.

PreventionGenetics, part of Exact Sciences
Classification: Likely benign for CFTR-related condition. Last evaluated: 2022-09-14. Review status: no assertion criteria provided. Collection method: clinical testing. Allele origin: germline. Not counted in ClinVar's aggregate classification.
Comment: This variant is classified as likely benign based on ACMG/AMP sequence variant interpretation guidelines (Richards et al. 2015 PMID: 25741868, with internal and published modifications).

NM_000492.4(CFTR):c.744-34_744-31del

Gene: CFTR (CF transmembrane conductance regulator; plus strand). Cytogenetic location: 7q31.2.
Variant type: Deletion.
Coding change: c.744-34_744-31del on transcript NM_000492.4 (MANE Select); 34 bases into the intron before coding-DNA position 744 through 31 bases into the intron before coding-DNA position 744, 4 bases deleted (AGAT; older notation c.744-34_744-31delAGAT).
Molecular consequence: intron variant.
Genome position (GRCh38, 1-based): chr7:117,536,514-117,536,517, AGAT deleted; deleting any 4 consecutive bases within chr7:117,536,513-117,536,517 gives the same sequence; the c. name uses the placement nearest the transcript's 3' end. VCF-style (leftmost placement, unchanged base first): chr7-117536512-TTAGA-T. GRCh37 (hg19) VCF-style: chr7-117176566-TTAGA-T.
Other names: c.744-34_744-31del (NM_000492.3); c.744-34_744-31delAGAT (NM_000492.3).
Identifiers: ClinVar variation 439486 (VCV000439486.12), dbSNP rs768226435, ClinGen allele CA4450821.